The following is an entry in ClinVar:

ClinVar aggregate classification (germline): Pathogenic/Likely pathogenic. Review status: criteria provided, multiple submitters, no conflicts (2 of 4 stars). 2 submissions from 2 submitters: Pathogenic (1); Likely pathogenic (1). Last evaluated 2025-05-13.

Conditions:
Stickler syndrome type 2 (STL2). Also called: COL11A1-Related Stickler Syndrome; STICKLER SYNDROME, TYPE II; STICKLER SYNDROME, BEADED VITREOUS TYPE; STICKLER SYNDROME, VITREOUS TYPE 2. Identifiers: Orphanet 828, Orphanet 90654, MedGen C1858084, MONDO:0011493, OMIM 604841.

Submissions (2):

Department of Biochemistry, All India Institute of Medical Sciences, Kalyani
Classification: Pathogenic for Stickler syndrome type 2. Last evaluated: 2025-05-13. Review status: criteria provided, single submitter. Criteria: ACMG Guidelines, 2015. Collection method: clinical testing. Allele origin: germline. Affected: yes.
Comment: The NM_001854.4:c.3762+2T>C, canonical splice site variant after exon 49 of COL11A1 gene which is predicted to result in splice donor defect resulting in an in-frame exon 49 skipping which is a known mechanism of disease (PVS1 – Pathogenic Strong as per PMID:30192042). (PS3- Pathogenic Supporting). Depressed nasal bridge; Decreased body weight; Cleft palate; Micrognathia; High Myopia; Anteverted nares; Sensorineural hearing impairment; Microcephaly and Proptosis. This variant is not reported in the literature. This variant is absent in the gnomAD database v4.1.0 (PM2 – Pathogenic Moderate). In summary, this variant meets criteria to be classified as a likely pathogenic variant based on the ACMG/AMP criteria applied, as specified by PVS1 & PM2 criteria.

Diagnostics Services (NGS), CSIR - Centre For Cellular And Molecular Biology
Classification: Likely pathogenic for Stickler syndrome type 2. Last evaluated: 2023-11-22. Review status: criteria provided, single submitter. Criteria: ACMG Guidelines, 2015. Collection method: clinical testing. Allele origin: unknown. Affected: yes. Observed: 1 variant allele, 1 heterozygote.
Comment: The c.3762+2T>C variant is not present in publicly available population databases like 1000 Genomes, EVS, ExAC, gnomAD, Indian Exome Database or our in-house exome database. This variant has neither been published in literature with COL11A1-related conditions nor reported to the clinical databases like Human Genome Mutation Database (HGMD), ClinVar or OMIM, in any affected individuals. Algorithms developed to predict the effect of sequence changes on RNA splicing suggest that this variant can disrupt the consensus splice site. In-silico pathogenicity prediction programs like MutationTaster2, CADD, Varsome, Franklin, HSF3.1 etc predicted this variant to be likely deleterious by affecting mRNA splicing however these predictions were not confirmed by published translational studies.

NM_001854.4(COL11A1):c.3762+2T>C

Gene: COL11A1 (collagen type XI alpha 1 chain; minus strand). Cytogenetic location: 1p21.1.
Variant type: single nucleotide variant.
Coding change: c.3762+2T>C on transcript NM_001854.4 (MANE Select); the canonical splice donor site of the intron after coding-DNA position 3762, T replaced by C.
Molecular consequence: splice donor variant.
Genome position (GRCh38, 1-based): chr1:102,920,309, A>G on the plus strand (T>C on the coding strand, the complement: COL11A1 is on the minus strand). VCF-style: chr1-102920309-A-G. GRCh37 (hg19) VCF-style: chr1-103385865-A-G.
Other names: chr1-102920309 A>G; c.3645+2T>C (NM_001190709.2); c.3798+2T>C (NM_080629.3); c.3414+2T>C (NM_080630.4).
Identifiers: ClinVar variation 2683754 (VCV002683754.2), dbSNP rs2524540006, ClinGen allele CA341163614.